The following is an entry in ClinVar:

ClinVar aggregate classification (germline): Uncertain significance (1 of 4 stars; one submission).

Submission:

GeneDx
Classification: Uncertain significance. Last evaluated: 2013-08-08. Review status: criteria provided, single submitter. Criteria: GeneDx Variant Classification (06012015). Collection method: clinical testing. Allele origin: germline. Affected: yes.
Comment: p.Arg360Gln (CGA>CAA): c.1079 G>A in exon 8 of the BRAF gene (NM_004333.4). The R360Q missense substitution has not been published as a mutation, nor has it been reported as a benign polymorphism to our knowledge. R360Q represents a non-conservative amino acid change in that a positively charged Arginine residue is replaced with neutral Glutamine residue at a position that is highly conserved across species. In silico models predict R360Q is damaging, however this change does not occur within a functional domain, and nearby mutations have not been reported. Therefore, based on the currently available information, it is unclear whether R360Q is a disease-causing mutation or a rare benign variant. The variant is found in NOONAN panel(s).

NM_004333.6(BRAF):c.1079G>A (p.Arg360Gln)

Genes: BRAF (B-Raf proto-oncogene, serine/threonine kinase; minus strand), LOC126860202 (BRD4-independent group 4 enhancer GRCh37_chr7:140493623-140494822; plus strand). Cytogenetic location: 7q34.
Variant type: single nucleotide variant.
Coding change: c.1079G>A on transcript NM_004333.6 (MANE Select); coding-DNA position 1079, G replaced by A.
Protein change: p.Arg360Gln; replaces arginine 360 with glutamine.
Molecular consequence: missense variant.
Genome position (GRCh38, 1-based): chr7:140,794,369, C>T on the plus strand (G>A on the coding strand, the complement: BRAF is on the minus strand). VCF-style: chr7-140794369-C-T. GRCh37 (hg19) VCF-style: chr7-140494169-C-T.
Other names: p.R360Q:CGA>CAA; c.1079G>A, p.Arg360Gln (NM_001354609.2, NM_001374244.1, NM_001374258.1 and 4 more transcripts); c.1088G>A, p.Arg363Gln (NM_001378467.1); c.977G>A, p.Arg326Gln (NM_001378470.1); c.923G>A, p.Arg308Gln (NM_001378472.1, NM_001378473.1); c.815G>A, p.Arg272Gln (NM_001378475.1); short protein forms R360Q, R272Q, R308Q, R326Q, R363Q.
Identifiers: ClinVar variation 180787 (VCV000180787.2), dbSNP rs730880415, ClinGen allele CA295911.
Genomic context (GRCh38, chr7:140,794,369, plus strand): 5'-TCAATATTGACAGGTTCTATTGTGTTTATATGCACATTGGGAGCTGATGAGGATCGGTCT[C>T]GTTGCCCAAATTGATTTCGATGATCTTCATCTGCTGGTCGGAAGGGCTGTGGAATTGGAA-3'
Protein context (NP_004324.2, residues 350-370): DEDHRNQFGQ[Arg360Gln]DRSSSAPNVH